The following is an entry in ClinVar:

ClinVar aggregate classification (germline): Likely benign. Review status: criteria provided, multiple submitters, no conflicts (2 of 4 stars). 5 submissions from 5 submitters: Likely benign (5). Last evaluated 2026-07-01.

Conditions:
Developmental and epileptic encephalopathy, 42 (DEE42A). Also called: Epileptic encephalopathy, early infantile, 42; DEVELOPMENTAL AND EPILEPTIC ENCEPHALOPATHY 42A; EPILEPTIC ENCEPHALOPATHY, EARLY INFANTILE, 42A. Identifiers: MedGen C4310716, MONDO:0014917, OMIM 617106.
Episodic ataxia type 2 (EA2). Also called: ACETAZOLAMIDE-RESPONSIVE HEREDITARY PAROXYSMAL CEREBELLAR ATAXIA; ATAXIA, EPISODIC, WITH NYSTAGMUS; ATAXIA, FAMILIAL PAROXYSMAL; CEREBELLAR ATAXIA, PAROXYSMAL, ACETAZOLAMIDE-RESPONSIVE; CEREBELLOPATHY, HEREDITARY PAROXYSMAL; EPISODIC ATAXIA, NYSTAGMUS-ASSOCIATED. Identifiers: Orphanet 97, MedGen C1720416, MONDO:0007163, OMIM 108500.

Allele frequency attached by ClinVar (database versions not stated): TOPMed 0.00003; gnomAD 0.00005 and 0.00007; gnomAD exomes 0.00005; ESP Exome Variant Server 0.00008; ExAC 0.00001.
gnomAD v4.1: 143 of 1,610,166 alleles (0.0089%); highest among the groups gnomAD compares: South Asian, 0.024%; 1 homozygote.

Submissions (5):

CeGaT Center for Human Genetics Tuebingen
Classification: Likely benign. Last evaluated: 2026-07-01. Review status: criteria provided, single submitter. Criteria: CeGaT Center For Human Genetics Tuebingen Variant Classification Criteria Version 2. Collection method: clinical testing. Allele origin: germline. Affected: yes. Observed: 2 variant alleles.
Comment: CACNA1A: BP4, BP7

Labcorp Genetics (formerly Invitae), Labcorp
Classification: Likely benign for Developmental and epileptic encephalopathy, 42; Episodic ataxia type 2. Last evaluated: 2025-09-16. Review status: criteria provided, single submitter. Criteria: Invitae Variant Classification Sherloc (09022015). Collection method: clinical testing. Allele origin: germline.

Blueprint Genetics
Classification: Likely benign. Last evaluated: 2023-12-08. Review status: criteria provided, single submitter. Criteria: ACMG Guidelines, 2015. Collection method: clinical testing. Allele origin: germline.

GeneDx
Classification: Likely benign. Last evaluated: 2018-08-01. Review status: criteria provided, single submitter. Criteria: GeneDx Variant Classification Process June 2021. Collection method: clinical testing. Allele origin: germline. Affected: yes.

Athena Diagnostics
Classification: Likely benign. Last evaluated: 2016-10-28. Review status: criteria provided, single submitter. Criteria: Athena Diagnostics Criteria. Collection method: clinical testing. Allele origin: germline.

NM_001127222.2(CACNA1A):c.5394G>A (p.Ser1798=)

Gene: CACNA1A (calcium voltage-gated channel subunit alpha1 A; minus strand). Cytogenetic location: 19p13.13.
Variant type: single nucleotide variant.
Coding change: c.5394G>A on transcript NM_001127222.2 (MANE Select); coding-DNA position 5394, G replaced by A.
Protein change: p.Ser1798=; no amino-acid change (serine 1798 retained).
Molecular consequence: synonymous variant.
Genome position (GRCh38, 1-based): chr19:13,231,716, C>T on the plus strand (G>A on the coding strand, the complement: CACNA1A is on the minus strand). VCF-style: chr19-13231716-C-T. GRCh37 (hg19) VCF-style: chr19-13342530-C-T.
Other names: c.5412G>A, p.Ser1804= (NM_000068.4, NM_023035.3); c.5397G>A, p.Ser1799= (NM_001127221.2); c.5403G>A, p.Ser1801= (NM_001174080.2).
Identifiers: ClinVar variation 390293 (VCV000390293.21), dbSNP rs201681631, ClinGen allele CA9239755.
Genomic context (GRCh38, chr19:13,231,716, plus strand): 5'-AAGGAAGCCAGGCTTAGGGAGCCCAGACGGCCCTCACAGTGTCCACAGACTCACCAGAAA[C>T]GAGCAGAGGAAGATGAAGGAAACAAAGTAAAAATAAGCAAATTCATTGCCACACTCTCGA-3'
Protein context (NP_001120694.1, residues 1788-1808): FYFVSFIFLC[Ser1798=]FLMLNLFVAV